The following is an entry in ClinVar:

ClinVar aggregate classification (germline): Pathogenic (1 of 4 stars; one submission).

Conditions:
TSC2-related disorder. Also called: TSC2-Related Disorders; TSC2-related condition.

Submission:

PreventionGenetics, part of Exact Sciences
Classification: Pathogenic for TSC2-related condition. Last evaluated: 2023-03-10. Review status: criteria provided, single submitter. Criteria: ACMG Guidelines, 2015. Collection method: clinical testing. Allele origin: germline.
Comment: The TSC2 c.2587G>T variant is predicted to result in premature protein termination (p.Glu863*). To our knowledge, this variant has not been reported in the literature or in a large population database, indicating this variant is rare. Nonsense variants in TSC2 are expected to be pathogenic. This variant is interpreted as pathogenic.

NM_000548.5(TSC2):c.2587G>T (p.Glu863Ter)

Gene: TSC2 (TSC complex subunit 2; plus strand). Cytogenetic location: 16p13.3.
Variant type: single nucleotide variant.
Coding change: c.2587G>T on transcript NM_000548.5 (MANE Select); coding-DNA position 2587, G replaced by T.
Protein change: p.Glu863Ter; replaces glutamic acid 863 with a stop codon.
Molecular consequence: nonsense. On other transcripts: non-coding transcript variant (5).
Genome position (GRCh38, 1-based): chr16:2,075,840, G>T. VCF-style: chr16-2075840-G-T. GRCh37 (hg19) VCF-style: chr16-2125841-G-T.
Other names: c.2587G>T, p.Glu863Ter (NM_001077183.3, NM_001114382.3, NM_001363528.2 and 6 more transcripts); c.2476G>T, p.Glu826Ter (NM_001318827.2, NM_001406670.1, NM_001406678.1); c.2440G>T, p.Glu814Ter (NM_001318829.2, NM_001406675.1, NM_001406676.1 and 1 more transcripts); c.1987G>T, p.Glu663Ter (NM_001318831.2, NM_001406680.1, NM_001406682.1 and 6 more transcripts); c.2620G>T, p.Glu874Ter (NM_001318832.2); c.2677G>T, p.Glu893Ter (NM_001406667.1, NM_001406668.1); c.2575G>T, p.Glu859Ter (NM_001406671.1, NM_001406673.1); c.2530G>T, p.Glu844Ter (NM_001406677.1); and 3 more; short protein forms E329*, E415*, E663*, E709*, E814*, E826*, E844*, E859*.
Identifiers: ClinVar variation 2633779 (VCV002633779.1), dbSNP rs2151380836, ClinGen allele CA394278381.